The following is an entry in ClinVar:

ClinVar aggregate classification (germline): Likely pathogenic. Review status: criteria provided, multiple submitters, no conflicts (2 of 4 stars). 2 submissions from 2 submitters: Likely pathogenic (2). Last evaluated 2026-04-01.

Conditions:
ALG11-congenital disorder of glycosylation. Also called: CONGENITAL DISORDER OF GLYCOSYLATION, TYPE Ip; ALG11-CDG. Identifiers: Orphanet 280071, MedGen C3150913, MONDO:0013349, OMIM 613661.

Allele frequency attached by ClinVar (database versions not stated): TOPMed 0.00001; gnomAD 0.00001; gnomAD exomes below 0.00001.
gnomAD v4.1: 2 of 1,613,984 alleles (0.00012%); highest among the groups gnomAD compares: East Asian, 0.0022%; no homozygotes.

Submissions (2):

Department of Genetics, Sultan Qaboos University Hospital
Classification: Likely pathogenic for ALG11-congenital disorder of glycosylation. Last evaluated: 2026-04-01. Review status: criteria provided, single submitter. Criteria: ACMG Guidelines, 2015. Collection method: clinical testing. Allele origin: germline. Affected: yes. Observed: 1 variant allele.
Comment: PM2_Supporting, PM5_Moderate, PP1_Strong

GeneDx
Classification: Likely pathogenic. Last evaluated: 2016-03-28. Review status: criteria provided, single submitter. Criteria: GeneDx Variant Classification (06012015). Collection method: clinical testing. Allele origin: germline. Affected: yes.
Comment: The R468C variant in the ALG11 gene has not been reported previously as a pathogenic variant, nor as a benign variant, to our knowledge. This variant was not observed in approximately 6500 individuals of European and African American ancestry in the NHLBI Exome Sequencing Project, indicating it is not a common benign variant in these populations. The R468C variant is a non-conservative amino acid substitution, which is likely to impact secondary protein structure as these residues differ in polarity, charge, size and/or other properties. This substitution occurs at a position that is not conserved. In silico analysis predicts this variant is probably damaging to the protein structure/function. The R468C variant is a strong candidate for a pathogenic variant, however the possibility it may be a rare benign variant cannot be excluded.

NM_001004127.3(ALG11):c.1402C>T (p.Arg468Cys)

Genes: ALG11 (ALG11 alpha-1,2-mannosyltransferase; plus strand), UTP14C (UTP14C small subunit processome component; plus strand). Cytogenetic location: 13q14.3.
Variant type: single nucleotide variant.
Coding change: c.1402C>T on transcript NM_001004127.3 (MANE Select); coding-DNA position 1402, C replaced by T.
Protein change: p.Arg468Cys; replaces arginine 468 with cysteine.
Molecular consequence: missense variant. On other transcripts: non-coding transcript variant (1), 5 prime UTR variant (1).
Genome position (GRCh38, 1-based): chr13:52,028,513, C>T. VCF-style: chr13-52028513-C-T. GRCh37 (hg19) VCF-style: chr13-52602649-C-T.
Other names: c.-292C>T (NM_021645.6); short protein forms R468C.
Identifiers: ClinVar variation 265035 (VCV000265035.3), dbSNP rs886039306, ClinGen allele CA10588569.